The following is an entry in ClinVar:

NM_001127178.3(PIGG):c.1754_1755insTGT (p.Leu585_Cys586insVal)

Gene: PIGG (phosphatidylinositol glycan anchor biosynthesis class G (EMM blood group); plus strand). Cytogenetic location: 4p16.3.
Variant type: Insertion.
Coding change: c.1754_1755insTGT on transcript NM_001127178.3 (MANE Select); coding-DNA positions 1754 to 1755, TGT inserted.
Protein change: p.Leu585_Cys586insVal.
Molecular consequence: inframe insertion. On other transcripts: non-coding transcript variant (7).
Genome position: GRCh38 VCF-style: chr4-523597-C-CTTG. GRCh37 (hg19) VCF-style: chr4-517386-C-CTTG.
Other names: c.1487_1488insTGT, p.Leu496_Cys497insVal (NM_001289051.2, NM_001345986.2); c.1355_1356insTGT, p.Leu452_Cys453insVal (NM_001289052.2); c.1463_1464insTGT, p.Leu488_Cys489insVal (NM_001345987.2); c.725_726insTGT, p.Leu242_Cys243insVal (NM_001345988.2); c.221_222insTGT, p.Leu74_Cys75insVal (NM_001345990.2, NM_001345991.2); c.656_657insTGT, p.Leu219_Cys220insVal (NM_001345994.2); c.1730_1731insTGT, p.Leu577_Cys578insVal (NM_017733.5).
Identifiers: ClinVar variation 1911000 (VCV001911000.2), dbSNP rs767421860, ClinGen allele CA2793445.

ClinVar aggregate classification (germline): Uncertain significance (1 of 4 stars; one submission).

Conditions:
Intellectual disability, autosomal recessive 53 (NEDHSCA). Also called: NEURODEVELOPMENTAL DISORDER WITH OR WITHOUT HYPOTONIA, SEIZURES, AND CEREBELLAR ATROPHY; GLYCOSYLPHOSPHATIDYLINOSITOL BIOSYNTHESIS DEFECT 13; Mental retardation, autosomal recessive 53. Identifiers: Orphanet 488635, MedGen C4310794, MONDO:0014832, OMIM 616917.

Submission:

Labcorp Genetics (formerly Invitae), Labcorp
Classification: Uncertain significance for Intellectual disability, autosomal recessive 53. Last evaluated: 2022-01-07. Review status: criteria provided, single submitter. Criteria: Invitae Variant Classification Sherloc (09022015). Collection method: clinical testing. Allele origin: germline.
Comment: This variant, c.1754_1755insTGT, results in the insertion of 1 amino acid(s) of the PIGG protein (p.Leu585_Cys586insVal), but otherwise preserves the integrity of the reading frame. This variant is present in population databases (rs767421860, gnomAD 0.02%). This variant has not been reported in the literature in individuals affected with PIGG-related conditions. Algorithms developed to predict the effect of sequence changes on RNA splicing suggest that this variant may create or strengthen a splice site. In summary, the available evidence is currently insufficient to determine the role of this variant in disease. Therefore, it has been classified as a Variant of Uncertain Significance.